The following is an entry in ClinVar:

ClinVar aggregate classification (germline): Pathogenic (1 of 4 stars; one submission).

Conditions:
Recessive dystrophic epidermolysis bullosa (RDEB). Also called: DYSTROPHIC EPIDERMOLYSIS BULLOSA, AUTOSOMAL RECESSIVE; EPIDERMOLYSIS BULLOSA DYSTROPHICA, HALLOPEAU-SIEMENS TYPE; Hallopeau-Siemens Disease; severe generalized recessive dystrophic epidermolysis bullosa; EPIDERMOLYSIS BULLOSA DYSTROPHICA, GENERALIZED SEVERE, AUTOSOMAL RECESSIVE; Epidermolysis Bullosa Distrophica Autosomal Recessive (RDEB). Identifiers: Orphanet 79408, Orphanet 79409, MedGen C0079474, MONDO:0009179, OMIM 226600.

Submission:

Myriad Genetics, Inc.
Classification: Pathogenic for Recessive dystrophic epidermolysis bullosa. Last evaluated: 2024-11-20. Review status: criteria provided, single submitter. Criteria: Myriad Autosomal Dominant, Autosomal Recessive and X-Linked Classification Criteria (2023). Collection method: clinical testing. Allele origin: unknown.
Comment: NM_000094.3(COL7A1):c.2661G>A(W887*) is expected to be pathogenic in the context of dystrophic epidermolysis bullosa. This variant is predicted to lead to an abnormal or absent protein product due to the creation of a premature termination codon in COL7A1, a gene where loss-of-function variants are known to be pathogenic. Please note: this variant was assessed in the context of healthy population screening.

NM_000094.4(COL7A1):c.2661G>A (p.Trp887Ter)

Gene: COL7A1 (collagen type VII alpha 1 chain; minus strand). Cytogenetic location: 3p21.31.
Variant type: single nucleotide variant.
Coding change: c.2661G>A on transcript NM_000094.4 (MANE Select); coding-DNA position 2661, G replaced by A.
Protein change: p.Trp887Ter; replaces tryptophan 887 with a stop codon.
Molecular consequence: nonsense.
Genome position (GRCh38, 1-based): chr3:48,588,331, C>T on the plus strand (G>A on the coding strand, the complement: COL7A1 is on the minus strand). VCF-style: chr3-48588331-C-T. GRCh37 (hg19) VCF-style: chr3-48625764-C-T.
Other names: short protein forms W887*.
Identifiers: ClinVar variation 5013770 (VCV005013770.1).